The following is an entry in ClinVar:

NM_001024845.3(SLC6A9):c.116C>T (p.Thr39Met)

Gene: SLC6A9 (solute carrier family 6 member 9; minus strand). Cytogenetic location: 1p34.1.
Variant type: single nucleotide variant.
Coding change: c.116C>T on transcript NM_001024845.3 (MANE Select); coding-DNA position 116, C replaced by T.
Protein change: p.Thr39Met; replaces threonine 39 with methionine.
Molecular consequence: missense variant. On other transcripts: non-coding transcript variant (1), intron variant (4).
Genome position (GRCh38, 1-based): chr1:44,010,797, G>A on the plus strand (C>T on the coding strand, the complement: SLC6A9 is on the minus strand). VCF-style: chr1-44010797-G-A. GRCh37 (hg19) VCF-style: chr1-44476469-G-A.
Other names: c.173C>T, p.Thr58Met (NM_001261380.2, NM_006934.4); c.116C>T, p.Thr39Met (NM_001328629.1); c.335C>T, p.Thr112Met (NM_201649.4); c.-14-2174C>T (NM_001328630.2, NM_001328626.2); c.125-2174C>T (NM_001328628.1); c.125-701C>T (NM_001328627.1); short protein forms T39M, T58M, T112M.
Identifiers: ClinVar variation 1435926 (VCV001435926.8), dbSNP rs200545935, ClinGen allele CA817895.

ClinVar aggregate classification (germline): Uncertain significance (1 of 4 stars; one submission).

Conditions:
Atypical glycine encephalopathy. Also called: Glycine encephalopathy with normal serum glycine. Identifiers: Orphanet 289863, MedGen C4310943, MONDO:0015010, OMIM 617301.

Allele frequency attached by ClinVar (database versions not stated): gnomAD exomes 0.00004 and 0.00005; ExAC 0.00005; gnomAD 0.00005; TOPMed 0.00005.

Submission:

Labcorp Genetics (formerly Invitae), Labcorp
Classification: Uncertain significance for Atypical glycine encephalopathy. Last evaluated: 2021-03-31. Review status: criteria provided, single submitter. Criteria: Invitae Variant Classification Sherloc (09022015). Collection method: clinical testing. Allele origin: germline.
Comment: This sequence change replaces threonine with methionine at codon 112 of the SLC6A9 protein (p.Thr112Met). The threonine residue is highly conserved and there is a moderate physicochemical difference between threonine and methionine. This variant is present in population databases (rs200545935, ExAC 0.02%). This variant has not been reported in the literature in individuals with SLC6A9-related conditions. Algorithms developed to predict the effect of missense changes on protein structure and function are either unavailable or do not agree on the potential impact of this missense change (SIFT: "Deleterious"; PolyPhen-2: "Probably Damaging"; Align-GVGD: "Class C0"). In summary, the available evidence is currently insufficient to determine the role of this variant in disease. Therefore, it has been classified as a Variant of Uncertain Significance.